The following is an entry in ClinVar:

ClinVar aggregate classification (germline): Uncertain significance (1 of 4 stars; one submission).

Submission:

Ambry Genetics
Classification: Uncertain significance. Last evaluated: 2025-10-16. Review status: criteria provided, single submitter. Criteria: Ambry Variant Classification Scheme 2023. Collection method: clinical testing. Allele origin: germline.
Comment: The p.R304S variant (also known as c.912A>C), located in coding exon 6 of the ATRIP gene, results from an A to C substitution at nucleotide position 912. The arginine at codon 304 is replaced by serine, an amino acid with dissimilar properties. This amino acid position is conserved. In addition, this alteration is predicted to be tolerated by in silico analysis. Based on the available evidence, the clinical significance of this variant remains unclear.

NM_130384.3(ATRIP):c.912A>C (p.Arg304Ser)

Genes: ATRIP (ATR interacting protein; plus strand), ATRIP-TREX1 (ATRIP-TREX1 readthrough; plus strand). Cytogenetic location: 3p21.31.
Variant type: single nucleotide variant.
Coding change: c.912A>C on transcript NM_130384.3 (MANE Select); coding-DNA position 912, A replaced by C.
Protein change: p.Arg304Ser; replaces arginine 304 with serine.
Molecular consequence: missense variant. On other transcripts: non-coding transcript variant (1).
Genome position (GRCh38, 1-based): chr3:48,459,441, A>C. VCF-style: chr3-48459441-A-C. GRCh37 (hg19) VCF-style: chr3-48500840-A-C.
Other names: c.531A>C, p.Arg177Ser (NM_001271022.2); c.633A>C, p.Arg211Ser (NM_001271023.2); c.912A>C, p.Arg304Ser (NM_032166.4); short protein forms R177S, R211S, R304S.
Identifiers: ClinVar variation 4644545 (VCV004644545.1).